The following is an entry in ClinVar:

ClinVar aggregate classification (germline): Uncertain significance (1 of 4 stars; one submission).

gnomAD v4.1: 2 of 1,614,104 alleles (0.00012%); no homozygotes.

Submission:

Laboratory for Molecular Medicine, Mass General Brigham Personalized Medicine
Classification: Uncertain significance. Last evaluated: 2018-12-27. Review status: criteria provided, single submitter. Criteria: LMM Criteria. Collection method: clinical testing. Allele origin: germline. Observed: 1 variant allele.
Comment: The p.Lys680Thr variant in MYO3A has not been previously reported in individuals with hearing loss and was absent from large population studies. Computational p rediction tools and conservation analysis suggest that the p.Lys680Thr variant m ay impact the protein, though this information is not predictive enough to deter mine pathogenicity. In summary, the clinical significance of the p.Lys680Thr var iant is uncertain. ACMG/AMP Criteria applied: PM2, PP3.

NM_017433.5(MYO3A):c.2039A>C (p.Lys680Thr)

Gene: MYO3A (myosin IIIA; plus strand). Cytogenetic location: 10p12.1.
Variant type: single nucleotide variant.
Coding change: c.2039A>C on transcript NM_017433.5 (MANE Select); coding-DNA position 2039, A replaced by C.
Protein change: p.Lys680Thr; replaces lysine 680 with threonine.
Molecular consequence: missense variant.
Genome position (GRCh38, 1-based): chr10:26,125,533, A>C. VCF-style: chr10-26125533-A-C. GRCh37 (hg19) VCF-style: chr10-26414462-A-C.
Other names: short protein forms K680T.
Identifiers: ClinVar variation 666876 (VCV000666876.4), dbSNP rs1589000062, ClinGen allele CA376341586.